The following is an entry in ClinVar:

ClinVar aggregate classification (germline): Pathogenic (1 of 4 stars; one submission).

Submission:

Labcorp Genetics (formerly Invitae), Labcorp
Classification: Pathogenic. Last evaluated: 2025-10-14. Review status: criteria provided, single submitter. Criteria: Invitae Variant Classification Sherloc (09022015). Collection method: clinical testing. Allele origin: germline.
Comment: This sequence change creates a premature translational stop signal (p.Thr1739Lysfs*3) in the ANK1 gene. It is expected to result in an absent or disrupted protein product. Loss-of-function variants in ANK1 are known to be pathogenic (PMID: 8640229). This variant is not present in population databases (gnomAD no frequency). This variant has not been reported in the literature in individuals affected with ANK1-related conditions. For these reasons, this variant has been classified as Pathogenic.

Literature cited by the submitters: PubMed 8640229.

NM_000037.4(ANK1):c.5216_5219del (p.Thr1739fs)

Gene: ANK1 (ankyrin 1; minus strand). Cytogenetic location: 8p11.21.
Variant type: Deletion.
Coding change: c.5216_5219del on transcript NM_000037.4 (MANE Select); coding-DNA positions 5216 to 5219, 4 bases deleted (CTGA; older notation c.5216_5219delCTGA).
Protein change: p.Thr1739fs; shifts the reading frame from threonine 1739.
Molecular consequence: frameshift variant.
Genome position (GRCh38, 1-based): chr8:41,668,442-41,668,445, TCAG deleted on the plus strand (CTGA on the coding strand, the reverse complement: ANK1 is on the minus strand); deleting any 4 consecutive bases within chr8:41,668,442-41,668,448 gives the same sequence; the c. name uses the placement nearest the transcript's 3' end. VCF-style (leftmost placement, unchanged base first): chr8-41668441-TTCAG-T. GRCh37 (hg19) VCF-style: chr8-41525959-TTCAG-T.
Other names: c.5339_5342del, p.Thr1780fs (NM_001142446.2); c.5216_5219del, p.Thr1739fs (NM_020475.3, NM_020476.3); c.4730_4733del, p.Thr1577fs (NM_020477.3); short protein forms T1577fs, T1739fs, T1780fs.
Identifiers: ClinVar variation 4729198 (VCV004729198.1).